The following is an entry in ClinVar:

ClinVar aggregate classification (germline): Pathogenic. Review status: criteria provided, multiple submitters, no conflicts (2 of 4 stars). 3 submissions from 3 submitters: Pathogenic (3). Last evaluated 2026-02-19.

Conditions:
Osteogenesis imperfecta type III (OI3). Also called: Progressively Deforming Osteogenesis Imperfecta; Osteogenesis imperfecta type 3; OI type 3; Osteogenesis imperfecta, progressively deforming with normal sclerae; OI type III. Identifiers: Orphanet 216812, Orphanet 666, MedGen C0268362, MONDO:0009804, OMIM 259420.
Osteogenesis imperfecta type I (OI1). Also called: Osteogenesis imperfecta type 1; Lobstein's Disease; OI, TYPE I; OSTEOGENESIS IMPERFECTA TARDA; OSTEOGENESIS IMPERFECTA WITH BLUE SCLERAE; Classic Non-deforming Osteogenesis Imperfecta with Blue Sclerae. Identifiers: Orphanet 216796, Orphanet 666, MedGen C0023931, MONDO:0008146, OMIM 166200. Disease mechanism: loss of function.

Submissions (3):

GeneDx
Classification: Pathogenic. Last evaluated: 2026-02-19. Review status: criteria provided, single submitter. Criteria: GeneDx Variant Classification Process June 2021. Collection method: clinical testing. Allele origin: germline.
Comment: Occurs in the triple helical domain and replaces a glycine in a canonical Gly-X-Y repeat; missense substitution of a canonical glycine residue is expected to disrupt normal protein folding and function, and this is an established mechanism of disease (PMID: 34007986); Not observed at significant frequency in large population cohorts (gnomAD); In silico analysis supports that this missense variant has a deleterious effect on protein structure/function; This variant is associated with the following publications: (PMID: 17078022, 34007986, 30715774)

Clinical Biomedical Laboratory, Shriners Hospital For Children - Canada
Classification: Pathogenic for Osteogenesis imperfecta type III. Last evaluated: 2025-07-16. Review status: criteria provided, single submitter. Criteria: ACMG Guidelines, 2015. Collection method: clinical testing. Allele origin: germline. Affected: yes.
Comment: This variant is predicted to substitute a glycine residue by an arginine residue in the alpha 1 chain of collagen type I. This variant is absent from the Genome Aggregation Database (v2.1.1). Glycine substitutions in the triple helical domain of collagen type I cause disruption in the formation of the triple helix in the collagen molecule and are a typical cause of osteogenesis imperfecta, which is the clinical diagnosis of the proband. This variant has been reported in the literature in an individual with osteogenesis imperfecta (PMID: 30715774).

Labcorp Genetics (formerly Invitae), Labcorp
Classification: Pathogenic for Osteogenesis imperfecta type I. Last evaluated: 2024-04-08. Review status: criteria provided, single submitter. Criteria: Invitae Variant Classification Sherloc (09022015). Collection method: clinical testing. Allele origin: germline.
Comment: This sequence change replaces glycine, which is neutral and non-polar, with arginine, which is basic and polar, at codon 464 of the COL1A1 protein (p.Gly464Arg). This variant is not present in population databases (gnomAD no frequency). This missense change has been observed in individual(s) with COL1A1-related conditions (PMID: 17078022; Invitae). Advanced modeling of protein sequence and biophysical properties (such as structural, functional, and spatial information, amino acid conservation, physicochemical variation, residue mobility, and thermodynamic stability) performed at Invitae indicates that this missense variant is expected to disrupt COL1A1 protein function with a positive predictive value of 95%. For these reasons, this variant has been classified as Pathogenic.

Literature cited by the submitters: PubMed 30715774 (cited by Clinical Biomedical Laboratory, Shriners Hospital For Children - Canada); PubMed 17078022 (cited by Labcorp Genetics (formerly Invitae), Labcorp).

NM_000088.4(COL1A1):c.1390G>A (p.Gly464Arg)

Gene: COL1A1 (collagen type I alpha 1 chain; minus strand). Cytogenetic location: 17q21.33.
Variant type: single nucleotide variant.
Coding change: c.1390G>A on transcript NM_000088.4 (MANE Select); coding-DNA position 1390, G replaced by A.
Protein change: p.Gly464Arg; replaces glycine 464 with arginine.
Molecular consequence: missense variant.
Genome position (GRCh38, 1-based): chr17:50,194,792, C>T on the plus strand (G>A on the coding strand, the complement: COL1A1 is on the minus strand). VCF-style: chr17-50194792-C-T. GRCh37 (hg19) VCF-style: chr17-48272153-C-T.
Other names: short protein forms G464R.
Identifiers: ClinVar variation 3722875 (VCV003722875.4).